The following is an entry in ClinVar:

ClinVar aggregate classification (germline): Uncertain significance (1 of 4 stars; one submission).

Conditions:
Developmental and epileptic encephalopathy, 12 (DEE12). Identifiers: MedGen C3150988, MONDO:0013389, OMIM 613722.

Submission:

Labcorp Genetics (formerly Invitae), Labcorp
Classification: Uncertain significance for Developmental and epileptic encephalopathy, 12. Last evaluated: 2021-07-27. Review status: criteria provided, single submitter. Criteria: Invitae Variant Classification Sherloc (09022015). Collection method: clinical testing. Allele origin: germline.
Comment: This variant is not present in population databases (ExAC no frequency). This sequence change falls in intron 11 of the PNKP gene. It does not directly change the encoded amino acid sequence of the PNKP protein. This variant has not been reported in the literature in individuals affected with PNKP-related conditions. Algorithms developed to predict the effect of sequence changes on RNA splicing suggest that this variant may create or strengthen a splice site. In summary, the available evidence is currently insufficient to determine the role of this variant in disease. Therefore, it has been classified as a Variant of Uncertain Significance.

NM_007254.4(PNKP):c.1030-22_1041dup

Gene: PNKP (polynucleotide kinase 3'-phosphatase; minus strand). Cytogenetic location: 19q13.33.
Variant type: Duplication.
Coding change: c.1030-22_1041dup on transcript NM_007254.4 (MANE Select); 22 bases into the intron before coding-DNA position 1030 through coding-DNA position 1041, 34 bases duplicated.
Molecular consequence: splice acceptor variant.
Genome position (GRCh38, 1-based): chr19:49,862,270-49,862,303, 34 bases duplicated; duplicating any 34 consecutive bases within chr19:49,862,270-49,862,304 gives the same sequence; the c. name uses the placement nearest the transcript's 3' end. GRCh37 (hg19): chr19:50,365,528-50,365,561.
Identifiers: ClinVar variation 1489109 (VCV001489109.6), dbSNP rs2122325507, ClinGen allele CA2573156617.